The following is an entry in ClinVar:

ClinVar aggregate classification (germline): Uncertain significance (1 of 4 stars; one submission).

Submission:

Dasa
Classification: Uncertain significance. Last evaluated: 2024-06-10. Review status: criteria provided, single submitter. Criteria: DASA Assertion Criteria. Collection method: clinical testing. Allele origin: germline.
Comment: NM_000466.3(PEX1):c.977C>G (p.Pro326Arg) is a missense variant that results in the substitution of proline with arginine. This variant is rare in population databases. Computational prediction algorithms are consistent with a deleterious effect. The currently available literature and clinical evidence are not sufficient to establish a definitive association between this variant and the reported condition. Therefore, this variant is classified as a variant of uncertain significance.

NM_000466.3(PEX1):c.977C>G (p.Pro326Arg)

Gene: PEX1 (peroxisomal biogenesis factor 1; minus strand). Cytogenetic location: 7q21.2.
Variant type: single nucleotide variant.
Coding change: c.977C>G on transcript NM_000466.3 (MANE Select); coding-DNA position 977, C replaced by G.
Protein change: p.Pro326Arg; replaces proline 326 with arginine.
Molecular consequence: missense variant.
Genome position (GRCh38, 1-based): chr7:92,517,538, G>C on the plus strand (C>G on the coding strand, the complement: PEX1 is on the minus strand). VCF-style: chr7-92517538-G-C. GRCh37 (hg19) VCF-style: chr7-92146852-G-C.
Other names: c.977C>G, p.Pro326Arg (NM_001282677.2); c.353C>G, p.Pro118Arg (NM_001282678.2); short protein forms P118R, P326R.
Identifiers: ClinVar variation 4881290 (VCV004881290.2).